The following is an entry in ClinVar:

NM_004667.6(HERC2):c.1848A>T (p.Gln616His)

Gene: HERC2 (HECT and RLD domain containing E3 ubiquitin protein ligase 2; minus strand). Cytogenetic location: 15q13.1.
Variant type: single nucleotide variant.
Coding change: c.1848A>T on transcript NM_004667.6 (MANE Select); coding-DNA position 1848, A replaced by T.
Protein change: p.Gln616His; replaces glutamine 616 with histidine.
Molecular consequence: missense variant.
Genome position (GRCh38, 1-based): chr15:28,265,640, T>A on the plus strand (A>T on the coding strand, the complement: HERC2 is on the minus strand). VCF-style: chr15-28265640-T-A. GRCh37 (hg19) VCF-style: chr15-28510786-T-A.
Other names: short protein forms Q616H.
Identifiers: ClinVar variation 4076710 (VCV004076710.1).
Genomic context (GRCh38, chr15:28,265,640, plus strand): 5'-CTCGTGGGCCTGTCCAGGGTGGCGAGAGCTCTACGTACCGTTCTCAGTGACAGCCAGGGT[T>A]TGAGCATCCCCACTCCCACACGCCACATCGATGACCTTCAGTCCTTTAAGCCCGGCTACC-3'
Protein context (NP_004658.3, residues 606-626): IDVACGSGDA[Gln616His]TLAVTENGQV

ClinVar aggregate classification (germline): Uncertain significance (1 of 4 stars; one submission).

Submission:

GeneDx
Classification: Uncertain significance. Last evaluated: 2025-02-14. Review status: criteria provided, single submitter. Criteria: GeneDx Variant Classification Process June 2021. Collection method: clinical testing. Allele origin: germline. Affected: yes.
Comment: Not observed at significant frequency in large population cohorts (gnomAD); In silico analysis indicates that this missense variant does not alter protein structure/function; Has not been previously published as pathogenic or benign to our knowledge